The following is an entry in ClinVar:

ClinVar aggregate classification (germline): Uncertain significance (1 of 4 stars; one submission).

Allele frequency attached by ClinVar (database versions not stated): gnomAD exomes below 0.00001.
gnomAD v4.1: 2 of 1,611,510 alleles (0.00012%); highest among the groups gnomAD compares: African/African-American, 0.0027%; no homozygotes.

Submission:

GeneDx
Classification: Uncertain significance. Last evaluated: 2020-01-16. Review status: criteria provided, single submitter. Criteria: GeneDx Variant Classification Process June 2021. Collection method: clinical testing. Allele origin: germline. Affected: yes.
Comment: Has not been previously published as pathogenic or benign to our knowledge; Not observed in large population cohorts (Lek et al., 2016); In silico analysis, which includes protein predictors and evolutionary conservation, supports a deleterious effect

NM_001854.4(COL11A1):c.1900G>A (p.Gly634Arg)

Gene: COL11A1 (collagen type XI alpha 1 chain; minus strand). Cytogenetic location: 1p21.1.
Variant type: single nucleotide variant.
Coding change: c.1900G>A on transcript NM_001854.4 (MANE Select); coding-DNA position 1900, G replaced by A.
Protein change: p.Gly634Arg; replaces glycine 634 with arginine.
Molecular consequence: missense variant. On other transcripts: non-coding transcript variant (1).
Genome position (GRCh38, 1-based): chr1:103,004,488, C>T on the plus strand (G>A on the coding strand, the complement: COL11A1 is on the minus strand). VCF-style: chr1-103004488-C-T. GRCh37 (hg19) VCF-style: chr1-103470044-C-T.
Other names: c.1783G>A, p.Gly595Arg (NM_001190709.2); c.1936G>A, p.Gly646Arg (NM_080629.3); c.1552G>A, p.Gly518Arg (NM_080630.4); short protein forms G518R, G595R, G634R, G646R.
Identifiers: ClinVar variation 1311093 (VCV001311093.2), dbSNP rs2101842703, ClinGen allele CA341172747.
Genomic context (GRCh38, chr1:103,004,488, plus strand): 5'-AAAGTAAGTTGCTTACAGCTTCACCTGGAAGACCTCTTGGTCCAATTTCTCCATCTTCTC[C>T]CTGTCATTGACAAAATGAATGAGAGTATAGAACATTTGGACAATGTATCATTTCAACATG-3'
Protein context (NP_001845.3, residues 624-644): PGPPGDDGMR[Gly634Arg]EDGEIGPRGL